The following is an entry in ClinVar:

NM_004304.5(ALK):c.125A>G (p.Glu42Gly)

Gene: ALK (ALK receptor tyrosine kinase; minus strand). Cytogenetic location: 2p23.1.
Variant type: single nucleotide variant.
Coding change: c.125A>G on transcript NM_004304.5 (MANE Select); coding-DNA position 125, A replaced by G.
Protein change: p.Glu42Gly; replaces glutamic acid 42 with glycine.
Molecular consequence: missense variant.
Genome position (GRCh38, 1-based): chr2:29,920,535, T>C on the plus strand (A>G on the coding strand, the complement: ALK is on the minus strand). VCF-style: chr2-29920535-T-C. GRCh37 (hg19) VCF-style: chr2-30143401-T-C.
Other names: short protein forms E42G.
Identifiers: ClinVar variation 4733272 (VCV004733272.1).

ClinVar aggregate classification (germline): Uncertain significance (1 of 4 stars; one submission).

Conditions:
Neuroblastoma, susceptibility to, 3. Also called: ALK-Related Neuroblastic Tumor Susceptibility. Identifiers: Orphanet 635, MedGen C2751681, MONDO:0013083, OMIM 613014.

Submission:

Labcorp Genetics (formerly Invitae), Labcorp
Classification: Uncertain significance for Neuroblastoma, susceptibility to, 3. Last evaluated: 2025-12-15. Review status: criteria provided, single submitter. Criteria: Invitae Variant Classification Sherloc (09022015). Collection method: clinical testing. Allele origin: germline.
Comment: This sequence change replaces glutamic acid, which is acidic and polar, with glycine, which is neutral and non-polar, at codon 42 of the ALK protein (p.Glu42Gly). The frequency data for this variant in the population databases is considered unreliable, as metrics indicate poor data quality at this position in the gnomAD database. This variant has not been reported in the literature in individuals affected with ALK-related conditions. An algorithm developed to predict the effect of missense changes on protein structure and function (PolyPhen-2) suggests that this variant is likely to be disruptive. In summary, the available evidence is currently insufficient to determine the role of this variant in disease. Therefore, it has been classified as a Variant of Uncertain Significance.